The following is an entry in ClinVar:

ClinVar aggregate classification (germline): Benign (1 of 4 stars; one submission).

Conditions:
TSC1-related disorder. Also called: TSC1-related condition.

gnomAD v4.1: 22 of 398,778 alleles (0.0055%); highest among the groups gnomAD compares: African/African-American, 0.045%; no homozygotes.

Submission:

PreventionGenetics, part of Exact Sciences
Classification: Benign for TSC1-related condition. Last evaluated: 2024-12-30. Review status: criteria provided, single submitter. Criteria: ACMG Guidelines, 2015. Collection method: clinical testing. Allele origin: germline.
Comment: This variant is classified as benign based on ACMG/AMP sequence variant interpretation guidelines (Richards et al. 2015 PMID: 25741868, with internal and published modifications).

NM_000368.5(TSC1):c.-177G>A

Gene: TSC1 (TSC complex subunit 1; minus strand). Cytogenetic location: 9q34.13.
Variant type: single nucleotide variant.
Coding change: c.-177G>A on transcript NM_000368.5 (MANE Select); 177 bases upstream of the start codon, G replaced by A.
Molecular consequence: 5 prime UTR variant. On other transcripts: non-coding transcript variant (5).
Genome position (GRCh38, 1-based): chr9:132,944,576, C>T on the plus strand (G>A on the coding strand, the complement: TSC1 is on the minus strand). VCF-style: chr9-132944576-C-T. GRCh37 (hg19) VCF-style: chr9-135819963-C-T.
Other names: c.-177G>A (NM_001162426.2, NM_001162427.2, NM_001406601.1 and 4 more transcripts); c.-436G>A (NM_001362177.2, NM_001406622.1); c.-148G>A (NM_001406592.1, NM_001406597.1, NM_001406602.1 and 6 more transcripts); c.-173G>A (NM_001406593.1, NM_001406598.1, NM_001406607.1); c.-396G>A (NM_001406594.1, NM_001406599.1); c.-367G>A (NM_001406595.1, NM_001406600.1); c.-114G>A (NM_001406596.1); c.-528G>A (NM_001406614.1); and 9 more.
Identifiers: ClinVar variation 4982669 (VCV004982669.1).
Genomic context (GRCh38, chr9:132,944,576, plus strand): 5'-AGGAGGGGGAGACACCCCCATACTCACCCACCGTCTCCTCCCCCTCAGCTGTTTACCTCA[C>T]AGTCCCTCCAGCCTACAGGGCGCCGCCATCTTGGACGTACAGCACCTCCCCCGTCGTGAA-3'